The following is an entry in ClinVar:

ClinVar aggregate classification (germline): Conflicting classifications of pathogenicity. Review status: criteria provided, conflicting classifications (1 of 4 stars). 3 submissions from 3 submitters: Likely pathogenic (2); Uncertain significance (1). Last evaluated 2025-01-18.

Conditions:
Autosomal recessive nonsyndromic hearing loss 12. Also called: DEAFNESS, AUTOSOMAL RECESSIVE 12. Identifiers: Orphanet 90636, MedGen C1832394, MONDO:0011067, OMIM 601386.
Ear malformation. Also called: CUP EAR; Abnormality of the ear. Identifiers: MedGen C0266589, MONDO:0007500, OMIM 128600, HP:0000598.

Submissions (3):

Labcorp Genetics (formerly Invitae), Labcorp
Classification: Uncertain significance. Last evaluated: 2025-01-18. Review status: criteria provided, single submitter. Criteria: Invitae Variant Classification Sherloc (09022015). Collection method: clinical testing. Allele origin: germline.
Comment: This sequence change replaces glutamic acid, which is acidic and polar, with glycine, which is neutral and non-polar, at codon 956 of the CDH23 protein (p.Glu956Gly). This variant is not present in population databases (gnomAD no frequency). This missense change has been observed in individual(s) with deafness (PMID: 38374194; internal data). ClinVar contains an entry for this variant (Variation ID: 1180655). Invitae Evidence Modeling of protein sequence and biophysical properties (such as structural, functional, and spatial information, amino acid conservation, physicochemical variation, residue mobility, and thermodynamic stability) has been performed for this missense variant. However, the output from this modeling did not meet the statistical confidence thresholds required to predict the impact of this variant on CDH23 protein function. This variant disrupts the p.Glu956 amino acid residue in CDH23. Other variant(s) that disrupt this residue have been determined to be pathogenic (PMID: 22899989, 25963016). This suggests that this residue is clinically significant, and that variants that disrupt this residue are likely to be disease-causing. In summary, the available evidence is currently insufficient to determine the role of this variant in disease. Therefore, it has been classified as a Variant of Uncertain Significance.

MVZ Martinsried, Medicover Genetics
Classification: Likely pathogenic for Autosomal recessive nonsyndromic hearing loss 12. Last evaluated: 2022-03-14. Review status: criteria provided, single submitter. Criteria: ACGS Guidelines, 2020. Collection method: clinical testing. Allele origin: biparental. Affected: yes.

Kariminejad - Najmabadi Pathology & Genetics Center
Classification: Likely pathogenic for Ear malformation. Last evaluated: 2021-07-10. Review status: criteria provided, single submitter. Criteria: ACMG Guidelines, 2015. Collection method: clinical testing. Allele origin: germline. Affected: yes.

Literature cited by the submitters: PubMed 38374194 (cited by Labcorp Genetics (formerly Invitae), Labcorp); PubMed 22899989 (cited by Labcorp Genetics (formerly Invitae), Labcorp); PubMed 25963016 (cited by Labcorp Genetics (formerly Invitae), Labcorp).

NM_022124.6(CDH23):c.2867A>G (p.Glu956Gly)

Gene: CDH23 (cadherin related 23; plus strand). Cytogenetic location: 10q22.1.
Variant type: single nucleotide variant.
Coding change: c.2867A>G on transcript NM_022124.6 (MANE Select); coding-DNA position 2867, A replaced by G.
Protein change: p.Glu956Gly; replaces glutamic acid 956 with glycine.
Molecular consequence: missense variant.
Genome position (GRCh38, 1-based): chr10:71,705,044, A>G. VCF-style: chr10-71705044-A-G. GRCh37 (hg19) VCF-style: chr10-73464801-A-G.
Other names: c.2867A>G (NM_022124.5); c.2867A>G, p.Glu956Gly (NM_001171930.2, NM_001171931.2); short protein forms E956G.
Identifiers: ClinVar variation 1180655 (VCV001180655.4), dbSNP rs2132740263, ClinGen allele CA377139743.